The following is an entry in ClinVar:

ClinVar aggregate classification (germline): Uncertain significance (1 of 4 stars; one submission).

Allele frequency attached by ClinVar (database versions not stated): ExAC 0.00006; 1000 Genomes Project 0.00040; 1000 Genomes Project 30x 0.00047.
gnomAD v4.1: 33 of 1,610,356 alleles (0.002%); highest among the groups gnomAD compares: South Asian, 0.011%; no homozygotes.

Submission:

Women's Health and Genetics/Laboratory Corporation of America, LabCorp
Classification: Uncertain significance. Last evaluated: 2024-04-05. Review status: criteria provided, single submitter. Criteria: LabCorp Variant Classification Summary - May 2015. Collection method: clinical testing. Allele origin: germline.
Comment: Variant summary: KNL1 c.5438C>T (p.Thr1813Met) results in a non-conservative amino acid change in the encoded protein sequence. Three of five in-silico tools predict a damaging effect of the variant on protein function. The variant allele was found at a frequency of 4.5e-05 in 245782 control chromosomes. To our knowledge, no occurrence of c.5438C>T in individuals affected with Microcephaly 4, Primary, Autosomal Recessive and no experimental evidence demonstrating its impact on protein function have been reported. No submitters have cited clinical-significance assessments for this variant to ClinVar. Based on the evidence outlined above, the variant was classified as uncertain significance.

NM_144508.5(KNL1):c.5360C>T (p.Thr1787Met)

Gene: KNL1 (kinetochore scaffold 1; plus strand). Cytogenetic location: 15q15.1.
Variant type: single nucleotide variant.
Coding change: c.5360C>T on transcript NM_144508.5 (MANE Select); coding-DNA position 5360, C replaced by T.
Protein change: p.Thr1787Met; replaces threonine 1787 with methionine.
Molecular consequence: missense variant.
Genome position (GRCh38, 1-based): chr15:40,625,624, C>T. VCF-style: chr15-40625624-C-T. GRCh37 (hg19) VCF-style: chr15-40917822-C-T.
Other names: c.5438C>T, p.Thr1813Met (NM_170589.5); short protein forms T1787M, T1813M.
Identifiers: ClinVar variation 3251506 (VCV003251506.1), dbSNP rs556149056.